The following is an entry in ClinVar:

NM_003000.3(SDHB):c.445C>T (p.Gln149Ter)

Gene: SDHB (succinate dehydrogenase complex iron sulfur subunit B; minus strand). Cytogenetic location: 1p36.13.
Variant type: single nucleotide variant.
Coding change: c.445C>T on transcript NM_003000.3 (MANE Select); coding-DNA position 445, C replaced by T.
Protein change: p.Gln149Ter; replaces glutamine 149 with a stop codon.
Molecular consequence: nonsense.
Genome position (GRCh38, 1-based): chr1:17,027,844, G>A on the plus strand (C>T on the coding strand, the complement: SDHB is on the minus strand). VCF-style: chr1-17027844-G-A. GRCh37 (hg19) VCF-style: chr1-17354339-G-A.
Other names: short protein forms Q149*.
Identifiers: ClinVar variation 230224 (VCV000230224.15), dbSNP rs876658451, ClinGen allele CA10577675.

ClinVar aggregate classification (germline): Pathogenic/Likely pathogenic. Review status: criteria provided, multiple submitters, no conflicts (2 of 4 stars). 6 submissions from 6 submitters: Pathogenic (4); Likely pathogenic (1). 1 of the submissions does not count toward it. Last evaluated 2025-10-13.

Conditions:
Gastrointestinal stromal tumor. Also called: Gastrointestinal stromal tumor, somatic; Gastrointestinal stroma tumor. Identifiers: Orphanet 44890, MedGen C0238198, MeSH D046152, MONDO:0011719, OMIM 606764, HP:0100723.
Pheochromocytoma. Also called: MAX-Related Hereditary Paraganglioma-Pheochromocytoma Syndrome. Identifiers: Orphanet 29072, MedGen C0031511, MONDO:0008233, OMIM 171300, HP:0002666.
Pheochromocytoma/paraganglioma syndrome 4. Also called: PARAGANGLIOMA, FAMILIAL MALIGNANT; PARAGANGLIOMAS, HEREDITARY EXTRAADRENAL; PHEOCHROMOCYTOMA, FAMILIAL EXTRAADRENAL; Paragangliomas 4; SDHB-Related Hereditary Paraganglioma-Pheochromocytoma Syndrome (Paragangliomas 4); SDHB-Related Hereditary Paraganglioma-Pheochromocytoma Syndrome. Identifiers: Orphanet 29072, MedGen C1861848, MONDO:0007273, OMIM 115310.
Hereditary cancer-predisposing syndrome. Also called: Neoplastic Syndromes, Hereditary; Hereditary neoplastic syndrome; Hereditary Cancer Syndrome; Tumor predisposition. Identifiers: Orphanet 140162, MedGen C0027672, MeSH D009386, MONDO:0015356.
Hereditary pheochromocytoma and paraganglioma. Also called: Hereditary Paraganglioma-Pheochromocytoma Syndromes; Hereditary pheochromocytoma-paraganglioma; Hereditary paragangliomas and pheochromocytomas. Identifiers: Orphanet 29072, MedGen C4274332, MONDO:0017366.

Allele frequency attached by ClinVar (database versions not stated): gnomAD exomes below 0.00001.
gnomAD v4.1: 2 of 1,608,858 alleles (0.00012%); highest among the groups gnomAD compares: Non-Finnish European, 0.000085%; no homozygotes.

Submissions (6):

Labcorp Genetics (formerly Invitae), Labcorp
Classification: Pathogenic for Gastrointestinal stromal tumor; Pheochromocytoma/paraganglioma syndrome 4; Pheochromocytoma. Last evaluated: 2025-10-13. Review status: criteria provided, single submitter. Criteria: Invitae Variant Classification Sherloc (09022015). Collection method: clinical testing. Allele origin: germline.
Comment: This sequence change creates a premature translational stop signal (p.Gln149*) in the SDHB gene. It is expected to result in an absent or disrupted protein product. Loss-of-function variants in SDHB are known to be pathogenic (PMID: 19454582, 19802898). This variant is not present in population databases (gnomAD no frequency). This premature translational stop signal has been observed in individual(s) with a personal and/or family history of paraganglioma and/or pheochromocytoma (PMID: 28374168, 29386252). ClinVar contains an entry for this variant (Variation ID: 230224). For these reasons, this variant has been classified as Pathogenic.

GeneDx
Classification: Likely pathogenic. Last evaluated: 2025-05-27. Review status: criteria provided, single submitter. Criteria: GeneDx Variant Classification Process June 2021. Collection method: clinical testing. Allele origin: germline. Affected: yes.
Comment: Nonsense variant predicted to result in protein truncation or nonsense mediated decay in a gene for which loss of function is a known mechanism of disease; Not observed at significant frequency in large population cohorts (gnomAD); This variant is associated with the following publications: (PMID: 29386252, 28374168, 34452955, 32062700)

Myriad Genetics, Inc.
Classification: Pathogenic for Pheochromocytoma/paraganglioma syndrome 4. Last evaluated: 2024-02-08. Review status: criteria provided, single submitter. Criteria: Myriad Autosomal Dominant, Autosomal Recessive and X-Linked Classification Criteria (2023). Collection method: clinical testing. Allele origin: unknown.
Comment: This variant is considered pathogenic. This variant creates a termination codon and is predicted to result in premature protein truncation.

Clinical Genetics Laboratory, Skane University Hospital Lund
Classification: Pathogenic. Last evaluated: 2023-09-01. Review status: criteria provided, single submitter. Criteria: ACMG Guidelines, 2015. Collection method: clinical testing. Allele origin: germline. Affected: yes.

Ambry Genetics
Classification: Pathogenic for Hereditary cancer-predisposing syndrome. Last evaluated: 2019-04-04. Review status: criteria provided, single submitter. Criteria: Ambry Variant Classification Scheme 2023. Collection method: clinical testing. Allele origin: germline.
Comment: The p.Q149* pathogenic mutation (also known as c.445C>T), located in coding exon 5 of the SDHB gene, results from a C to T substitution at nucleotide position 445. This changes the amino acid from a glutamine to a stop codon within coding exon 5. This mutation has been reported in cohorts of patients with features of hereditary paraganglioma-pheocromocytoma syndrome (Jochmanova I et al. J. Cancer Res. Clin. Oncol. 2017 Aug;143:1421-1435; Andrews KA et al. J. Med. Genet. 2018 Jun;55:384-394). In addition to the clinical data presented in the literature, this alteration is expected to result in loss of function by premature protein truncation or nonsense-mediated mRNA decay. As such, this alteration is interpreted as a disease-causing mutation.

Section on Medical Neuroendocrinolgy, National Institutes of Health
Classification: Uncertain significance for Hereditary pheochromocytoma and paraganglioma. Review status: no assertion criteria provided. Collection method: research. Allele origin: germline. Affected: yes. Not counted in ClinVar's aggregate classification.

Literature cited by the submitters: PubMed 19454582 (cited by Labcorp Genetics (formerly Invitae), Labcorp); PubMed 19802898 (cited by Labcorp Genetics (formerly Invitae), Labcorp); PubMed 28374168 (cited by Labcorp Genetics (formerly Invitae), Labcorp and Ambry Genetics); PubMed 29386252 (cited by Labcorp Genetics (formerly Invitae), Labcorp and Ambry Genetics).